The following is an entry in ClinVar:

ClinVar aggregate classification (germline): Likely benign. Review status: criteria provided, multiple submitters, no conflicts (2 of 4 stars). 3 submissions from 3 submitters: Likely benign (2). 1 of the submissions does not count toward it. Last evaluated 2026-09-01.

Conditions:
WDR4-related disorder. Also called: WDR4-Related Disorders; WDR4-related condition.

Allele frequency attached by ClinVar (database versions not stated): ExAC 0.00019; gnomAD 0.00035; ESP Exome Variant Server 0.00039; TOPMed 0.00045; 1000 Genomes Project 0.00060; 1000 Genomes Project 30x 0.00078.

Submissions (3):

CeGaT Center for Human Genetics Tuebingen
Classification: Likely benign. Last evaluated: 2026-09-01. Review status: criteria provided, single submitter. Criteria: CeGaT Center For Human Genetics Tuebingen Variant Classification Criteria Version 2. Collection method: clinical testing. Allele origin: germline. Affected: yes. Observed: 1 variant allele.
Comment: WDR4: BP4, BP7

Labcorp Genetics (formerly Invitae), Labcorp
Classification: Likely benign. Last evaluated: 2025-11-16. Review status: criteria provided, single submitter. Criteria: Invitae Variant Classification Sherloc (09022015). Collection method: clinical testing. Allele origin: germline.

PreventionGenetics, part of Exact Sciences
Classification: Likely benign for WDR4-related condition. Last evaluated: 2019-03-22. Review status: no assertion criteria provided. Collection method: clinical testing. Allele origin: germline. Not counted in ClinVar's aggregate classification.
Comment: This variant is classified as likely benign based on ACMG/AMP sequence variant interpretation guidelines (Richards et al. 2015 PMID: 25741868, with internal and published modifications).

NM_018669.6(WDR4):c.837G>A (p.Gln279=)

Gene: WDR4 (WDR4 tRNA N7-guanosine methyltransferase non-catalytic subunit; minus strand). Cytogenetic location: 21q22.3.
Variant type: single nucleotide variant.
Coding change: c.837G>A on transcript NM_018669.6 (MANE Select); coding-DNA position 837, G replaced by A.
Protein change: p.Gln279=; no amino-acid change (glutamine 279 retained).
Molecular consequence: synonymous variant. On other transcripts: non-coding transcript variant (1).
Genome position (GRCh38, 1-based): chr21:42,853,707, C>T on the plus strand (G>A on the coding strand, the complement: WDR4 is on the minus strand). VCF-style: chr21-42853707-C-T. GRCh37 (hg19) VCF-style: chr21-44273817-C-T.
Other names: c.837G>A (NM_033661.4); c.834G>A, p.Gln278= (NM_001260474.2); c.399G>A, p.Gln133= (NM_001260475.2, NM_001260476.2, NM_001260477.2 and 1 more transcripts); c.837G>A, p.Gln279= (NM_033661.5).
Identifiers: ClinVar variation 2065828 (VCV002065828.7), dbSNP rs143526542, ClinGen allele CA10045905.
Genomic context (GRCh38, chr21:42,853,707, plus strand): 5'-CTCCTCGAAAGCCACGTCCCACACTTGGTGCTGGAACGCCAGCTGCTGCCTGTACACCAA[C>T]TGCTGTCTGCGGGCGTCCAGCTGGAAGATGTAGACCACAGGAGTGCTTGCCACGAAGAAA-3'
Protein context (NP_061139.2, residues 269-289): YIFQLDARRQ[Gln279=]LVYRQQLAFQ